The following is an entry in ClinVar:

NM_001368882.1(COL13A1):c.996G>A (p.Met332Ile)

Gene: COL13A1 (collagen type XIII alpha 1 chain; plus strand). Cytogenetic location: 10q22.1.
Variant type: single nucleotide variant.
Coding change: c.996G>A on transcript NM_001368882.1 (MANE Select); coding-DNA position 996, G replaced by A.
Protein change: p.Met332Ile; replaces methionine 332 with isoleucine.
Molecular consequence: missense variant.
Genome position (GRCh38, 1-based): chr10:69,918,314, G>A. VCF-style: chr10-69918314-G-A. GRCh37 (hg19) VCF-style: chr10-71678070-G-A.
Other names: p.Met342Ile; c.1026G>A, p.Met342Ile (NM_001130103.2); c.996G>A, p.Met332Ile (NM_001320951.2, NM_001368884.1); c.960G>A, p.Met320Ile (NM_001368883.1, NM_001368885.1, NM_080801.4 and 1 more transcripts); c.396G>A, p.Met132Ile (NM_001368886.1); c.906G>A, p.Met302Ile (NM_001368895.1); c.855G>A, p.Met285Ile (NM_001368896.1, NM_001368898.1, NM_080798.4); c.882G>A, p.Met294Ile (NM_001368897.1); and 3 more; short protein forms M332I, M285I, M294I, M302I, M320I, M323I, M342I, M132I.
Identifiers: ClinVar variation 1503727 (VCV001503727.9), dbSNP rs371799102, ClinGen allele CA5534558.

ClinVar aggregate classification (germline): Uncertain significance. Review status: criteria provided, multiple submitters, no conflicts (2 of 4 stars). 3 submissions from 3 submitters: Uncertain significance (3). Last evaluated 2025-09-18.

Conditions:
Inborn genetic diseases. Identifiers: MedGen C0950123, MeSH D030342.

Allele frequency attached by ClinVar (database versions not stated): gnomAD exomes 0.00009 and 0.00005; gnomAD 0.00006 and 0.00007; ESP Exome Variant Server 0.00008; TOPMed 0.00003; ExAC 0.00009.

Submissions (3):

Mayo Clinic Laboratories, Mayo Clinic
Classification: Uncertain significance. Last evaluated: 2025-09-18. Review status: criteria provided, single submitter. Criteria: ACMG Guidelines, 2015. Collection method: clinical testing. Allele origin: germline. Observed: 1 variant allele.
Comment: PM2_supporting

Ambry Genetics
Classification: Uncertain significance for Inborn genetic diseases. Last evaluated: 2025-08-20. Review status: criteria provided, single submitter. Criteria: Ambry Variant Classification Scheme 2023. Collection method: clinical testing. Allele origin: germline.

Labcorp Genetics (formerly Invitae), Labcorp
Classification: Uncertain significance. Last evaluated: 2025-01-06. Review status: criteria provided, single submitter. Criteria: Invitae Variant Classification Sherloc (09022015). Collection method: clinical testing. Allele origin: germline.
Comment: This sequence change replaces methionine, which is neutral and non-polar, with isoleucine, which is neutral and non-polar, at codon 342 of the COL13A1 protein (p.Met342Ile). This variant is present in population databases (rs371799102, gnomAD 0.02%). This variant has not been reported in the literature in individuals affected with COL13A1-related conditions. ClinVar contains an entry for this variant (Variation ID: 1503727). An algorithm developed to predict the effect of missense changes on protein structure and function (PolyPhen-2) suggests that this variant is likely to be disruptive. In summary, the available evidence is currently insufficient to determine the role of this variant in disease. Therefore, it has been classified as a Variant of Uncertain Significance.